The following is an entry in ClinVar:

NM_016284.5(CNOT1):c.681A>C (p.Leu227Phe)

Gene: CNOT1 (CCR4-NOT transcription complex subunit 1; minus strand). Cytogenetic location: 16q21.
Variant type: single nucleotide variant.
Coding change: c.681A>C on transcript NM_016284.5 (MANE Select); coding-DNA position 681, A replaced by C.
Protein change: p.Leu227Phe; replaces leucine 227 with phenylalanine.
Molecular consequence: missense variant. On other transcripts: non-coding transcript variant (1).
Genome position (GRCh38, 1-based): chr16:58,585,463, T>G on the plus strand (A>C on the coding strand, the complement: CNOT1 is on the minus strand). VCF-style: chr16-58585463-T-G. GRCh37 (hg19) VCF-style: chr16-58619367-T-G.
Other names: c.681A>C, p.Leu227Phe (NM_001265612.2, NM_206999.3); short protein forms L227F.
Identifiers: ClinVar variation 3348249 (VCV003348249.1).

ClinVar aggregate classification (germline): Uncertain significance (0 of 4 stars; one submission).

Conditions:
CNOT1-related disorder. Also called: CNOT1-related condition.

Submission:

PreventionGenetics, part of Exact Sciences
Classification: Uncertain significance for CNOT1-related condition. Last evaluated: 2024-06-04. Review status: no assertion criteria provided. Collection method: clinical testing. Allele origin: germline.
Comment: The CNOT1 c.681A>C variant is predicted to result in the amino acid substitution p.Leu227Phe. To our knowledge, this variant has not been reported in the literature or in a large population database, indicating this variant is rare. At this time, the clinical significance of this variant is uncertain due to the absence of conclusive functional and genetic evidence.